The following is an entry in ClinVar:

NM_000428.3(LTBP2):c.3354G>A (p.Lys1118=)

Gene: LTBP2 (latent transforming growth factor beta binding protein 2; minus strand). Cytogenetic location: 14q24.3.
Variant type: single nucleotide variant.
Coding change: c.3354G>A on transcript NM_000428.3 (MANE Select); coding-DNA position 3354, G replaced by A.
Protein change: p.Lys1118=; no amino-acid change (lysine 1118 retained).
Molecular consequence: synonymous variant.
Genome position (GRCh38, 1-based): chr14:74,509,287, C>T on the plus strand (G>A on the coding strand, the complement: LTBP2 is on the minus strand). VCF-style: chr14-74509287-C-T. GRCh37 (hg19) VCF-style: chr14-74975990-C-T.
Other names: c.3354G>A (NM_000428.2).
Identifiers: ClinVar variation 1472616 (VCV001472616.8), dbSNP rs1211195117, ClinGen allele CA487156996.

ClinVar aggregate classification (germline): Uncertain significance. Review status: criteria provided, single submitter (1 of 4 stars). 2 submissions from 2 submitters: Uncertain significance (1). 1 of the submissions does not count toward it. Last evaluated 2022-08-23.

Conditions:
LTBP2-related disorder. Also called: LTBP2-related disorders; LTBP2-related condition.

Allele frequency attached by ClinVar (database versions not stated): gnomAD exomes below 0.00001; gnomAD 0.00001.
gnomAD v4.1: 3 of 1,613,582 alleles (0.00019%); highest among the groups gnomAD compares: Admixed American, 0.0033%; no homozygotes.

Submissions (2):

Labcorp Genetics (formerly Invitae), Labcorp
Classification: Uncertain significance. Last evaluated: 2022-08-23. Review status: criteria provided, single submitter. Criteria: Invitae Variant Classification Sherloc (09022015). Collection method: clinical testing. Allele origin: germline.
Comment: In summary, the available evidence is currently insufficient to determine the role of this variant in disease. Therefore, it has been classified as a Variant of Uncertain Significance. Algorithms developed to predict the effect of sequence changes on RNA splicing suggest that this variant may disrupt the consensus splice site. ClinVar contains an entry for this variant (Variation ID: 1472616). This variant has not been reported in the literature in individuals affected with LTBP2-related conditions. This variant is present in population databases (no rsID available, gnomAD 0.003%). This sequence change affects codon 1118 of the LTBP2 mRNA. It is a 'silent' change, meaning that it does not change the encoded amino acid sequence of the LTBP2 protein.

PreventionGenetics, part of Exact Sciences
Classification: Likely benign for LTBP2-related condition. Last evaluated: 2023-08-25. Review status: no assertion criteria provided. Collection method: clinical testing. Allele origin: germline. Not counted in ClinVar's aggregate classification.
Comment: This variant is classified as likely benign based on ACMG/AMP sequence variant interpretation guidelines (Richards et al. 2015 PMID: 25741868, with internal and published modifications).